The following is an entry in ClinVar:

ClinVar aggregate classification (germline): Conflicting classifications of pathogenicity. Review status: criteria provided, conflicting classifications (1 of 4 stars). 8 submissions from 8 submitters: Uncertain significance (1); Benign (1); Likely benign (6). Last evaluated 2026-05-20.

Conditions:
STK11-related disorder. Also called: STK11-related condition.
Hereditary cancer-predisposing syndrome. Also called: Tumor predisposition; Hereditary neoplastic syndrome; Neoplastic Syndromes, Hereditary; Hereditary Cancer Syndrome. Identifiers: Orphanet 140162, MedGen C0027672, MeSH D009386, MONDO:0015356.
Peutz-Jeghers syndrome (PJS). Also called: POLYPOSIS, HAMARTOMATOUS INTESTINAL; POLYPS-AND-SPOTS SYNDROME; Peutz-Jeghers polyposis; Periorificial lentiginosis syndrome. Identifiers: Orphanet 2869, MedGen C0031269, MeSH D010580, MONDO:0008280, OMIM 175200.

Allele frequency attached by ClinVar (database versions not stated): gnomAD exomes 0.00001 and 0.00002; TOPMed 0.00001; gnomAD 0.00003.
gnomAD v4.1: 15 of 1,558,972 alleles (0.00096%); highest among the groups gnomAD compares: Non-Finnish European, 0.0013%; no homozygotes.

Submissions (8):

PreventionGenetics, part of Exact Sciences
Classification: Likely benign for STK11-related condition. Last evaluated: 2026-05-20. Review status: criteria provided, single submitter. Criteria: ACMG Guidelines, 2015. Collection method: clinical testing. Allele origin: germline.
Comment: This variant is classified as likely benign based on ACMG/AMP sequence variant interpretation guidelines (Richards et al. 2015 PMID: 25741868, with internal and published modifications).

Ambry Genetics
Classification: Likely benign for Hereditary cancer-predisposing syndrome. Last evaluated: 2026-01-26. Review status: criteria provided, single submitter. Criteria: Ambry Variant Classification Scheme 2023. Collection method: clinical testing. Allele origin: germline.

Labcorp Genetics (formerly Invitae), Labcorp
Classification: Likely benign for Peutz-Jeghers syndrome. Last evaluated: 2025-05-25. Review status: criteria provided, single submitter. Criteria: Invitae Variant Classification Sherloc (09022015). Collection method: clinical testing. Allele origin: germline.

Myriad Genetics, Inc.
Classification: Benign for Peutz-Jeghers syndrome. Last evaluated: 2025-03-31. Review status: criteria provided, single submitter. Criteria: Myriad Autosomal Dominant, Autosomal Recessive and X-Linked Classification Criteria (2023). Collection method: clinical testing. Allele origin: unknown.
Comment: This variant is considered benign. This variant is a silent/synonymous amino acid change and it is not expected to impact splicing.

Mayo Clinic Laboratories, Mayo Clinic
Classification: Likely benign. Last evaluated: 2025-01-30. Review status: criteria provided, single submitter. Criteria: ACMG Guidelines, 2015. Collection method: clinical testing. Allele origin: germline. Observed: 1 variant allele.
Comment: BP4, BP7

All of Us Research Program, National Institutes of Health
Classification: Likely benign for Peutz-Jeghers syndrome. Last evaluated: 2024-09-23. Review status: criteria provided, single submitter. Criteria: ACMG Guidelines, 2015. Collection method: clinical testing. Allele origin: germline. Inheritance: Autosomal dominant inheritance. Observed: 5 variant alleles, 5 heterozygotes.
Comment: This study involves interpretation of variants in research participants for the purpose of population health screening. Participant phenotype was not available at the time of variant classification. Additional details can be found in publication PMID: 35346344, PMCID: PMC8962531

Color Diagnostics, LLC DBA Color Health
Classification: Likely benign for Hereditary cancer-predisposing syndrome. Last evaluated: 2022-11-06. Review status: criteria provided, single submitter. Criteria: ACMG Guidelines, 2015. Collection method: clinical testing. Allele origin: germline.

GeneDx
Classification: Uncertain significance. Last evaluated: 2022-07-29. Review status: criteria provided, single submitter. Criteria: GeneDx Variant Classification Process June 2021. Collection method: clinical testing. Allele origin: germline. Affected: yes.
Comment: Not observed at significant frequency in large population cohorts (gnomAD); In silico analysis supports that this variant does not alter splicing; Has not been previously published as pathogenic or benign to our knowledge

NM_000455.5(STK11):c.1263C>T (p.Ser421=)

Gene: STK11 (serine/threonine kinase 11; plus strand). Cytogenetic location: 19p13.3.
Variant type: single nucleotide variant.
Coding change: c.1263C>T on transcript NM_000455.5 (MANE Select); coding-DNA position 1263, C replaced by T.
Protein change: p.Ser421=; no amino-acid change (serine 421 retained).
Molecular consequence: synonymous variant.
Genome position (GRCh38, 1-based): chr19:1,226,608, C>T. VCF-style: chr19-1226608-C-T. GRCh37 (hg19) VCF-style: chr19-1226607-C-T.
Other names: p.Ser421=.
Identifiers: ClinVar variation 458031 (VCV000458031.22), dbSNP rs1472814508, ClinGen allele CA504708547.